The following is an entry in ClinVar:

NM_000222.3(KIT):c.2493A>G (p.Leu831=)

Gene: KIT (KIT proto-oncogene, receptor tyrosine kinase; plus strand). Cytogenetic location: 4q12.
Variant type: single nucleotide variant.
Coding change: c.2493A>G on transcript NM_000222.3 (MANE Select); coding-DNA position 2493, A replaced by G.
Protein change: p.Leu831=; no amino-acid change (leucine 831 retained).
Molecular consequence: synonymous variant.
Genome position (GRCh38, 1-based): chr4:54,736,506, A>G. VCF-style: chr4-54736506-A-G. GRCh37 (hg19) VCF-style: chr4-55602672-A-G.
Other names: c.2481A>G, p.Leu827= (NM_001093772.2, NM_001385292.1); c.2496A>G, p.Leu832= (NM_001385284.1); c.2490A>G, p.Leu830= (NM_001385285.1); c.2478A>G, p.Leu826= (NM_001385286.1); c.2484A>G, p.Leu828= (NM_001385288.1); c.2493A>G, p.Leu831= (NM_001385290.1).
Identifiers: ClinVar variation 458921 (VCV000458921.14), dbSNP rs1553893435, ClinGen allele CA439292019.
Genomic context (GRCh38, chr4:54,736,506, plus strand): 5'-TTTGTTGAGCTTCTGAATTAACATTATTGACTCTGTTGTGCTTCTATTACAGGCTCGACT[A>G]CCTGTGAAGTGGATGGCACCTGAAAGCATTTTCAACTGTGTATACACGTTTGAAAGTGAC-3'
Protein context (NP_000213.1, residues 821-841): SNYVVKGNAR[Leu831=]PVKWMAPESI

ClinVar aggregate classification (germline): Benign/Likely benign. Review status: criteria provided, multiple submitters, no conflicts (2 of 4 stars). 4 submissions from 4 submitters: Benign (1); Likely benign (3). Last evaluated 2026-06-04.

Conditions:
Hereditary cancer-predisposing syndrome. Also called: Neoplastic Syndromes, Hereditary; Hereditary Cancer Syndrome; Hereditary neoplastic syndrome; Tumor predisposition. Identifiers: Orphanet 140162, MedGen C0027672, MeSH D009386, MONDO:0015356.
Gastrointestinal stromal tumor. Also called: Gastrointestinal stromal tumor, somatic; Gastrointestinal stroma tumor. Identifiers: Orphanet 44890, MedGen C0238198, MeSH D046152, MONDO:0011719, OMIM 606764, HP:0100723.

Allele frequency attached by ClinVar (database versions not stated): TOPMed 0.00001.
gnomAD v4.1: 20 of 1,610,548 alleles (0.0012%); highest among the groups gnomAD compares: Non-Finnish European, 0.0017%; no homozygotes.

Submissions (4):

Myriad Genetics, Inc.
Classification: Benign for Gastrointestinal stromal tumor. Last evaluated: 2026-06-04. Review status: criteria provided, single submitter. Criteria: Myriad Autosomal Dominant, Autosomal Recessive and X-Linked Classification Criteria (2023). Collection method: clinical testing. Allele origin: unknown.
Comment: This variant is considered benign. This variant is a silent/synonymous amino acid change and it is not expected to impact splicing.

Labcorp Genetics (formerly Invitae), Labcorp
Classification: Likely benign for Gastrointestinal stromal tumor. Last evaluated: 2025-10-22. Review status: criteria provided, single submitter. Criteria: Invitae Variant Classification Sherloc (09022015). Collection method: clinical testing. Allele origin: germline.

Ambry Genetics
Classification: Likely benign for Hereditary cancer-predisposing syndrome. Last evaluated: 2022-11-25. Review status: criteria provided, single submitter. Criteria: Ambry Variant Classification Scheme 2023. Collection method: clinical testing. Allele origin: germline.

Blueprint Genetics
Classification: Likely benign. Last evaluated: 2020-12-11. Review status: criteria provided, single submitter. Criteria: ACMG Guidelines, 2015. Collection method: clinical testing. Allele origin: germline.